The following is an entry in ClinVar:

ClinVar aggregate classification (germline): Uncertain significance (1 of 4 stars; one submission).

Conditions:
TNF receptor-associated periodic fever syndrome (TRAPS) (FPF). Also called: FAMILIAL HIBERNIAN FEVER; TNF RECEPTOR-ASSOCIATED PERIODIC SYNDROME; TUMOR NECROSIS FACTOR RECEPTOR-ASSOCIATED PERIODIC SYNDROME; Autosomal Dominant Familial Periodic Fever; TNF Receptor-Associated Periodic Fever Syndrome; TNF receptor 1-associated periodic fever syndrome. Identifiers: Orphanet 32960, MedGen C1275126, MONDO:0007727, OMIM 142680.

Submission:

Labcorp Genetics (formerly Invitae), Labcorp
Classification: Uncertain significance for TNF receptor-associated periodic fever syndrome (TRAPS). Last evaluated: 2025-02-15. Review status: criteria provided, single submitter. Criteria: Invitae Variant Classification Sherloc (09022015). Collection method: clinical testing. Allele origin: germline.
Comment: This sequence change replaces arginine, which is basic and polar, with threonine, which is neutral and polar, at codon 312 of the TNFRSF1A protein (p.Arg312Thr). This variant is not present in population databases (gnomAD no frequency). This variant has not been reported in the literature in individuals affected with TNFRSF1A-related conditions. Invitae Evidence Modeling of protein sequence and biophysical properties (such as structural, functional, and spatial information, amino acid conservation, physicochemical variation, residue mobility, and thermodynamic stability) has been performed for this missense variant. However, the output from this modeling did not meet the statistical confidence thresholds required to predict the impact of this variant on TNFRSF1A protein function. In summary, the available evidence is currently insufficient to determine the role of this variant in disease. Therefore, it has been classified as a Variant of Uncertain Significance.

NM_001065.4(TNFRSF1A):c.935G>C (p.Arg312Thr)

Gene: TNFRSF1A (TNF receptor superfamily member 1A; minus strand). Cytogenetic location: 12p13.31.
Variant type: single nucleotide variant.
Coding change: c.935G>C on transcript NM_001065.4 (MANE Select); coding-DNA position 935, G replaced by C.
Protein change: p.Arg312Thr; replaces arginine 312 with threonine.
Molecular consequence: missense variant. On other transcripts: non-coding transcript variant (1).
Genome position (GRCh38, 1-based): chr12:6,329,900, C>G on the plus strand (G>C on the coding strand, the complement: TNFRSF1A is on the minus strand). VCF-style: chr12-6329900-C-G. GRCh37 (hg19) VCF-style: chr12-6439066-C-G.
Other names: c.611G>C, p.Arg204Thr (NM_001346091.2); c.476G>C, p.Arg159Thr (NM_001346092.2); short protein forms R312T, R159T, R204T.
Identifiers: ClinVar variation 3635058 (VCV003635058.2).